The following is an entry in ClinVar:

NM_015512.5(DNAH1):c.11644G>A (p.Gly3882Arg)

Gene: DNAH1 (dynein axonemal heavy chain 1; plus strand). Cytogenetic location: 3p21.1.
Variant type: single nucleotide variant.
Coding change: c.11644G>A on transcript NM_015512.5 (MANE Select); coding-DNA position 11644, G replaced by A.
Protein change: p.Gly3882Arg; replaces glycine 3882 with arginine.
Molecular consequence: missense variant.
Genome position (GRCh38, 1-based): chr3:52,396,901, G>A. VCF-style: chr3-52396901-G-A. GRCh37 (hg19) VCF-style: chr3-52430917-G-A.
Other names: short protein forms G3882R.
Identifiers: ClinVar variation 2951526 (VCV002951526.3), dbSNP rs756713104, ClinGen allele CA2436240.

ClinVar aggregate classification (germline): Likely pathogenic (1 of 4 stars; one submission).

Conditions:
Spermatogenic failure 18. Identifiers: MedGen C4539783, MONDO:0054615, OMIM 617576.
Ciliary dyskinesia, primary, 37 (CILD37). Also called: CILIARY DYSKINESIA, PRIMARY, 37, WITH OR WITHOUT SITUS INVERSUS. Identifiers: MedGen C4539798, MONDO:0033204, OMIM 617577.

Allele frequency attached by ClinVar (database versions not stated): ExAC 0.00002; TOPMed 0.00002; gnomAD 0.00001.
gnomAD v4.1: 20 of 1,608,496 alleles (0.0012%); highest among the groups gnomAD compares: Admixed American, 0.0033%; no homozygotes.

Submission:

Labcorp Genetics (formerly Invitae), Labcorp
Classification: Likely pathogenic for Ciliary dyskinesia, primary, 37; Spermatogenic failure 18. Last evaluated: 2026-01-25. Review status: criteria provided, single submitter. Criteria: Invitae Variant Classification Sherloc (09022015). Collection method: clinical testing. Allele origin: germline.
Comment: This sequence change replaces glycine, which is neutral and non-polar, with arginine, which is basic and polar, at codon 3882 of the DNAH1 protein (p.Gly3882Arg). This variant is present in population databases (rs756713104, gnomAD 0.006%). This missense change has been observed in individual(s) with multiple morph abnorm of the sperm flagella (PMID: 34791246). In at least one individual the data is consistent with being in trans (on the opposite chromosome) from a pathogenic variant. ClinVar contains an entry for this variant (Variation ID: 2951526). Invitae Evidence Modeling of protein sequence and biophysical properties (such as structural, functional, and spatial information, amino acid conservation, physicochemical variation, residue mobility, and thermodynamic stability) indicates that this missense variant is expected to disrupt DNAH1 protein function with a positive predictive value of 80%. Algorithms developed to predict the effect of sequence changes on RNA splicing suggest that this variant may create or strengthen a splice site. In summary, the currently available evidence indicates that the variant is pathogenic, but additional data are needed to prove that conclusively. Therefore, this variant has been classified as Likely Pathogenic.

Literature cited by the submitters: PubMed 34791246.